The following is an entry in ClinVar:

NM_016038.4(SBDS):c.586G>T (p.Val196Phe)

Gene: SBDS (SBDS ribosome maturation factor; minus strand). Cytogenetic location: 7q11.21.
Variant type: single nucleotide variant.
Coding change: c.586G>T on transcript NM_016038.4 (MANE Select); coding-DNA position 586, G replaced by T.
Protein change: p.Val196Phe; replaces valine 196 with phenylalanine.
Molecular consequence: missense variant.
Genome position (GRCh38, 1-based): chr7:66,991,175, C>A on the plus strand (G>T on the coding strand, the complement: SBDS is on the minus strand). VCF-style: chr7-66991175-C-A. GRCh37 (hg19) VCF-style: chr7-66456162-C-A.
Other names: short protein forms V196F.
Identifiers: ClinVar variation 3437547 (VCV003437547.1).

ClinVar aggregate classification (germline): Uncertain significance (1 of 4 stars; one submission).

Conditions:
Inborn genetic diseases. Identifiers: MedGen C0950123, MeSH D030342.

gnomAD v4.1: 3 of 1,614,094 alleles (0.00019%); highest among the groups gnomAD compares: Non-Finnish European, 0.00025%; no homozygotes.

Submission:

Ambry Genetics
Classification: Uncertain significance for Inborn genetic diseases. Last evaluated: 2024-12-10. Review status: criteria provided, single submitter. Criteria: Ambry Variant Classification Scheme 2023. Collection method: clinical testing. Allele origin: germline.
Comment: The p.V196F variant (also known as c.586G>T), located in coding exon 4 of the SBDS gene, results from a G to T substitution at nucleotide position 586. The valine at codon 196 is replaced by phenylalanine, an amino acid with highly similar properties. This amino acid position is conserved. In addition, the in silico prediction for this alteration is inconclusive. Based on the available evidence, the clinical significance of this variant remains unclear.